The following is an entry in ClinVar:

NM_197968.4(ZMYM2):c.1837G>T (p.Val613Leu)

Gene: ZMYM2 (zinc finger MYM-type containing 2; plus strand). Cytogenetic location: 13q12.11.
Variant type: single nucleotide variant.
Coding change: c.1837G>T on transcript NM_197968.4 (MANE Select); coding-DNA position 1837, G replaced by T.
Protein change: p.Val613Leu; replaces valine 613 with leucine.
Molecular consequence: missense variant. On other transcripts: non-coding transcript variant (1).
Genome position (GRCh38, 1-based): chr13:20,027,304, G>T. VCF-style: chr13-20027304-G-T. GRCh37 (hg19) VCF-style: chr13-20601444-G-T.
Other names: c.1837G>T, p.Val613Leu (NM_001190964.4, NM_001190965.4, NM_001353157.2 and 5 more transcripts); c.1642G>T, p.Val548Leu (NM_001353161.3); c.1576G>T, p.Val526Leu (NM_001353163.2); short protein forms V526L, V548L, V613L.
Identifiers: ClinVar variation 2663331 (VCV002663331.1), dbSNP rs2503006461, ClinGen allele CA387672787.

ClinVar aggregate classification (germline): Uncertain significance (1 of 4 stars; one submission).

Submission:

GeneDx
Classification: Uncertain significance. Last evaluated: 2023-05-08. Review status: criteria provided, single submitter. Criteria: GeneDx Variant Classification Process June 2021. Collection method: clinical testing. Allele origin: germline. Affected: yes.
Comment: Not observed at significant frequency in large population cohorts (gnomAD); In silico analysis supports that this missense variant does not alter protein structure/function; Has not been previously published as pathogenic or benign to our knowledge